The following is an entry in ClinVar:

ClinVar aggregate classification (germline): Conflicting classifications of pathogenicity. Review status: criteria provided, conflicting classifications (1 of 4 stars). 3 submissions from 3 submitters: Uncertain significance (2); Likely benign (1). Last evaluated 2026-01-06.

Conditions:
ATP8B1-related disorder. Also called: ATP8B1-related condition; ATP8B1-related disorders.
Inborn genetic diseases. Identifiers: MedGen C0950123, MeSH D030342.

Allele frequency attached by ClinVar (database versions not stated): TOPMed 0.00001; gnomAD exomes 0.00003; ExAC 0.00004.
gnomAD v4.1: 43 of 1,614,190 alleles (0.0027%); highest among the groups gnomAD compares: Admixed American, 0.0083%; no homozygotes.

Submissions (3):

PreventionGenetics, part of Exact Sciences
Classification: Uncertain significance for ATP8B1-related condition. Last evaluated: 2026-01-06. Review status: criteria provided, single submitter. Criteria: ACMG Guidelines, 2015. Collection method: clinical testing. Allele origin: germline.
Comment: The ATP8B1 c.460G>A variant is predicted to result in the amino acid substitution p.Val154Ile. To our knowledge, this variant has not been reported in the literature. This variant is reported in 0.014% of alleles in individuals of Latino descent in gnomAD. At this time, the clinical significance of this variant is uncertain due to the absence of conclusive functional and genetic evidence.

CeGaT Center for Human Genetics Tuebingen
Classification: Uncertain significance. Last evaluated: 2025-06-01. Review status: criteria provided, single submitter. Criteria: CeGaT Center For Human Genetics Tuebingen Variant Classification Criteria Version 2. Collection method: clinical testing. Allele origin: germline. Affected: yes. Observed: 1 variant allele.
Comment: ATP8B1: PM2, PP2, BP4

Ambry Genetics
Classification: Likely benign for Inborn genetic diseases. Last evaluated: 2021-10-06. Review status: criteria provided, single submitter. Criteria: Ambry Variant Classification Scheme 2023. Collection method: clinical testing. Allele origin: germline.

NM_001374385.1(ATP8B1):c.460G>A (p.Val154Ile)

Gene: ATP8B1 (ATPase phospholipid transporting 8B1; minus strand). Cytogenetic location: 18q21.31.
Variant type: single nucleotide variant.
Coding change: c.460G>A on transcript NM_001374385.1 (MANE Select); coding-DNA position 460, G replaced by A.
Protein change: p.Val154Ile; replaces valine 154 with isoleucine.
Molecular consequence: missense variant.
Genome position (GRCh38, 1-based): chr18:57,701,247, C>T on the plus strand (G>A on the coding strand, the complement: ATP8B1 is on the minus strand). VCF-style: chr18-57701247-C-T. GRCh37 (hg19) VCF-style: chr18-55368479-C-T.
Other names: c.310G>A, p.Val104Ile (NM_001374386.1); c.460G>A, p.Val154Ile (NM_005603.6); short protein forms V154I, V104I.
Identifiers: ClinVar variation 2385854 (VCV002385854.11), dbSNP rs755666127, ClinGen allele CA8974842.
Genomic context (GRCh38, chr18:57,701,247, plus strand): 5'-AGTAGAACGTTGTATGAGAAATCCTCACCACATCGTCCACCAGGTCTTTGATTGCAGTGA[C>T]GCCCAGCACCACAAGCAGGGGCACTAGTGTGGTGTACCAAGCCAGGGTAGAGATTTGAGG-3'
Protein context (NP_001361314.1, residues 144-164): TLVPLLVVLG[Val154Ile]TAIKDLVDDV